The following is an entry in ClinVar:

ClinVar aggregate classification (germline): Pathogenic. Review status: criteria provided, multiple submitters, no conflicts (2 of 4 stars). 3 submissions from 3 submitters: Pathogenic (3). Last evaluated 2024-12-26.

Conditions:
Thrombophilia due to thrombin defect (THPH1). Also called: Prothrombin Thrombophilia; Thrombosis susceptibility; THROMBOPHILIA DUE TO FACTOR 2 DEFECT; Prothrombin-Related Thrombophilia (Factor II). Identifiers: MedGen C3160733, MONDO:0008559, OMIM 188050. Disease mechanism: gain of function, loss of function.
Congenital prothrombin deficiency. Also called: HYPOPROTHROMBINEMIA; Inherited hypoprothrombinemia; Congenital factor II deficiency; Inherited prothrombin deficiency; Factor II deficiency; Hereditary factor II deficiency disease. Identifiers: Orphanet 325, MedGen C0272317, MONDO:0013361, OMIM 613679.

Allele frequency attached by ClinVar (database versions not stated): gnomAD exomes below 0.00001; TOPMed below 0.00001.

Submissions (3):

Labcorp Genetics (formerly Invitae), Labcorp
Classification: Pathogenic for Congenital prothrombin deficiency. Last evaluated: 2024-12-26. Review status: criteria provided, single submitter. Criteria: Invitae Variant Classification Sherloc (09022015). Collection method: clinical testing. Allele origin: germline.
Comment: This sequence change replaces arginine, which is basic and polar, with glutamine, which is neutral and polar, at codon 596 of the F2 protein (p.Arg596Gln). This variant is not present in population databases (gnomAD no frequency). This missense change has been observed in individual(s) with autosomal dominant prothrombin-related thrombophilia (PMID: 28075532, 35945029). It has also been observed to segregate with disease in related individuals. This variant is also known as R553Q; prothrombin Belgrade mutation. ClinVar contains an entry for this variant (Variation ID: 692073). Invitae Evidence Modeling of protein sequence and biophysical properties (such as structural, functional, and spatial information, amino acid conservation, physicochemical variation, residue mobility, and thermodynamic stability) indicates that this missense variant is not expected to disrupt F2 protein function with a negative predictive value of 80%. Experimental studies have shown that this missense change affects F2 function (PMID: 27604259). For these reasons, this variant has been classified as Pathogenic.

GeneDx
Classification: Pathogenic. Last evaluated: 2022-09-22. Review status: criteria provided, single submitter. Criteria: GeneDx Variant Classification Process June 2021. Collection method: clinical testing. Allele origin: germline. Affected: yes.
Comment: Published functional studies demonstrate antithrombin resistance and impaired thrombin-antithrombin complex formation, suggesting susceptibility to thrombosis (Takagi et al., 2016); Not observed at significant frequency in large population cohorts (gnomAD); In silico analysis supports that this missense variant has a deleterious effect on protein structure/function; This variant is associated with the following publications: (PMID: 22716977, 25550189, 23265743, 26482463, 30279891, 29331940, 23927452, 28075532, 27604259, 33332610, 30428703, 30968704)

Rady Children's Institute for Genomic Medicine, Rady Children's Hospital San Diego
Classification: Pathogenic for Venous thrombosis. Last evaluated: 2019-02-01. Review status: criteria provided, single submitter. Criteria: ACMG Guidelines, 2015. Collection method: clinical testing. Allele origin: germline. Affected: yes. Observed: 1 variant allele.
Comment: This variant, referred to as the prothrombin Belgrade variant, has previously been reported in affected individuals with thrombophilia (PMID: 23265743, 23927452, 25550189, 26482463, 28075532). Functional assays indicate this substitution impairs binding of antithrombin to thrombin, leading to antithrombin resistance and a hypercoagulable state (PMID: 28075532, 27604259). It is absent from the ExAC and gnomAD population databases and thus is presumed to be rare. The c.1787G>A (p.Arg596Gln) variant is predicted by multiple in silico tools to have a deleterious effect on protein function. Based on the available evidence, the c.1787G>A (p.Arg596Gln) variant is classified as pathogenic.

Literature cited by the submitters: PubMed 28075532 (cited by Labcorp Genetics (formerly Invitae), Labcorp); PubMed 35945029 (cited by Labcorp Genetics (formerly Invitae), Labcorp); PubMed 27604259 (cited by Labcorp Genetics (formerly Invitae), Labcorp).

NM_000506.5(F2):c.1787G>A (p.Arg596Gln)

Gene: F2 (coagulation factor II, thrombin; plus strand). Cytogenetic location: 11p11.2.
Variant type: single nucleotide variant.
Coding change: c.1787G>A on transcript NM_000506.5 (MANE Select); coding-DNA position 1787, G replaced by A.
Protein change: p.Arg596Gln; replaces arginine 596 with glutamine.
Molecular consequence: missense variant.
Genome position (GRCh38, 1-based): chr11:46,739,326, G>A. VCF-style: chr11-46739326-G-A. GRCh37 (hg19) VCF-style: chr11-46760876-G-A.
Other names: c.1787G>A (NM_000506.3); short protein forms R596Q.
Identifiers: ClinVar variation 692073 (VCV000692073.5), dbSNP rs387907201, ClinGen allele CA380259622.